The following is an entry in ClinVar:

NM_001205293.3(CACNA1E):c.4568T>C (p.Leu1523Pro)

Gene: CACNA1E (calcium voltage-gated channel subunit alpha1 E; plus strand). Cytogenetic location: 1q25.3.
Variant type: single nucleotide variant.
Coding change: c.4568T>C on transcript NM_001205293.3 (MANE Select); coding-DNA position 4568, T replaced by C.
Protein change: p.Leu1523Pro; replaces leucine 1523 with proline.
Molecular consequence: missense variant.
Genome position (GRCh38, 1-based): chr1:181,758,831, T>C. VCF-style: chr1-181758831-T-C. GRCh37 (hg19) VCF-style: chr1-181727967-T-C.
Other names: c.4568T>C, p.Leu1523Pro (NM_000721.4); c.4511T>C, p.Leu1504Pro (NM_001205294.2); short protein forms L1504P, L1523P.
Identifiers: ClinVar variation 3826623 (VCV003826623.2).

ClinVar aggregate classification (germline): Uncertain significance (1 of 4 stars; one submission).

Conditions:
Inborn genetic diseases. Identifiers: MedGen C0950123, MeSH D030342.

Submission:

Ambry Genetics
Classification: Uncertain significance for Inborn genetic diseases. Last evaluated: 2025-06-11. Review status: criteria provided, single submitter. Criteria: Ambry Variant Classification Scheme 2023. Collection method: clinical testing. Allele origin: germline.
Comment: The c.4568T>C (p.L1523P) alteration is located in exon 32 (coding exon 32) of the CACNA1E gene. This alteration results from a T to C substitution at nucleotide position 4568, causing the leucine (L) at amino acid position 1523 to be replaced by a proline (P). This variant was not reported in population-based cohorts in the Genome Aggregation Database (gnomAD). This amino acid position is well conserved in available vertebrate species. This missense alteration is located in a region that has a low rate of benign missense variation (Lek, 2016; Firth, 2009). This alteration is predicted to be deleterious by in silico analysis. Based on insufficient or conflicting evidence, the clinical significance of this alteration remains unclear.